The following is an entry in ClinVar:

ClinVar aggregate classification (germline): Uncertain significance (1 of 4 stars; one submission).

Conditions:
Methylcobalamin deficiency type cblE (HMAE). Also called: HOMOCYSTINURIA-MEGALOBLASTIC ANEMIA, cblE COMPLEMENTATION TYPE; VITAMIN B12-RESPONSIVE HOMOCYSTINURIA, cblE TYPE; HOMOCYSTINURIA-MEGALOBLASTIC ANEMIA, cblE TYPE. Identifiers: Orphanet 2169, Orphanet 622, MedGen C1856057, MONDO:0009354, OMIM 236270.

Allele frequency attached by ClinVar (database versions not stated): ExAC 0.00001.

Submission:

Labcorp Genetics (formerly Invitae), Labcorp
Classification: Uncertain significance for Methylcobalamin deficiency type cblE. Last evaluated: 2022-09-12. Review status: criteria provided, single submitter. Criteria: Invitae Variant Classification Sherloc (09022015). Collection method: clinical testing. Allele origin: germline.
Comment: This sequence change replaces alanine, which is neutral and non-polar, with glutamic acid, which is acidic and polar, at codon 653 of the MTRR protein (p.Ala653Glu). This variant is present in population databases (rs773372129, gnomAD 0.003%). This variant has not been reported in the literature in individuals affected with MTRR-related conditions. Advanced modeling of protein sequence and biophysical properties (such as structural, functional, and spatial information, amino acid conservation, physicochemical variation, residue mobility, and thermodynamic stability) performed at Invitae indicates that this missense variant is not expected to disrupt MTRR protein function. In summary, the available evidence is currently insufficient to determine the role of this variant in disease. Therefore, it has been classified as a Variant of Uncertain Significance.

NM_002454.3(MTRR):c.1958C>A (p.Ala653Glu)

Gene: MTRR (5-methyltetrahydrofolate-homocysteine methyltransferase reductase; plus strand). Cytogenetic location: 5p15.31.
Variant type: single nucleotide variant.
Coding change: c.1958C>A on transcript NM_002454.3 (MANE Select); coding-DNA position 1958, C replaced by A.
Protein change: p.Ala653Glu; replaces alanine 653 with glutamic acid.
Molecular consequence: missense variant. On other transcripts: non-coding transcript variant (14).
Genome position (GRCh38, 1-based): chr5:7,899,919, C>A. VCF-style: chr5-7899919-C-A. GRCh37 (hg19) VCF-style: chr5-7900032-C-A.
Other names: c.1958C>A, p.Ala653Glu (NM_001364440.2, NM_001364441.2, NM_001364442.2 and 1 more transcripts); short protein forms A653E.
Identifiers: ClinVar variation 2147880 (VCV002147880.1), dbSNP rs773372129, ClinGen allele CA3196140.